The following is an entry in ClinVar:

ClinVar aggregate classification (germline): Conflicting classifications of pathogenicity. Review status: criteria provided, conflicting classifications (1 of 4 stars). 2 submissions from 2 submitters: Likely pathogenic (1); Uncertain significance (1). Last evaluated 2026-04-20.

Conditions:
Severe X-linked myotubular myopathy (CNMX). Also called: X-linked centronuclear myopathy; Myotubular myopathy, X-linked; MYOTUBULAR MYOPATHY 1. Identifiers: Orphanet 596, MedGen C0410203, MONDO:0010683, OMIM 310400.

Submissions (2):

Myriad Genetics, Inc.
Classification: Uncertain significance for Severe X-linked myotubular myopathy. Last evaluated: 2026-04-20. Review status: criteria provided, single submitter. Criteria: Myriad Autosomal Dominant, Autosomal Recessive and X-Linked Classification Criteria (2023). Collection method: clinical testing. Allele origin: unknown.
Comment: NM_000252.2(MTM1):c.63+3A>T is an intronic variant classified as a variant of uncertain significance in the context of X-linked myotubular myopathy. c.63+3A>T has not been observed in cases with relevant disease. Relevant functional assessments of this variant are not available in the literature. c.63+3A>T has not been observed in referenced population frequency databases. In summary, there is insufficient evidence to classify NM_000252.2(MTM1):c.63+3A>T as pathogenic or benign. Please note: this variant was assessed in the context of healthy population screening.

Genetic Services Laboratory, University of Chicago
Classification: Likely pathogenic for Myotubular myopathy, X-linked. Last evaluated: 2013-02-08. Review status: criteria provided, single submitter. Criteria: ACMG Guidelines, 2007. Collection method: clinical testing. Allele origin: germline. Inheritance: X-linked inheritance. Affected: yes.

NM_000252.3(MTM1):c.63+3A>T

Gene: MTM1 (myotubularin 1; plus strand). Cytogenetic location: Xq28.
Variant type: single nucleotide variant.
Coding change: c.63+3A>T on transcript NM_000252.3 (MANE Select); 3 bases into the intron after coding-DNA position 63, A replaced by T.
Molecular consequence: intron variant.
Genome position (GRCh38, 1-based): chrX:150,592,680, A>T. VCF-style: chrX-150592680-A-T. GRCh37 (hg19) VCF-style: chrX-149761142-A-T.
Other names: c.63+3A>T (NM_001376908.1, NM_001376906.1, NM_001376907.1).
Identifiers: ClinVar variation 158990 (VCV000158990.7), dbSNP rs587783844, ClinGen allele CA271915.